The following is an entry in ClinVar:

NM_007294.4(BRCA1):c.2974del (p.Thr992fs)

Gene: BRCA1 (BRCA1 DNA repair associated; minus strand). Cytogenetic location: 17q21.31.
Variant type: Deletion.
Coding change: c.2974del on transcript NM_007294.4 (MANE Select); coding-DNA position 2974, one base deleted (A; older notation c.2974delA).
Protein change: p.Thr992fs; shifts the reading frame from threonine 992.
Molecular consequence: frameshift variant. On other transcripts: intron variant (137).
Genome position (GRCh38, 1-based): chr17:43,092,557, T deleted on the plus strand (A on the coding strand, the reverse complement: BRCA1 is on the minus strand); the first of 4 consecutive T bases (chr17:43,092,557-43,092,560); deleting any one gives the same sequence. VCF-style (leftmost placement, unchanged base first): chr17-43092556-GT-G. GRCh37 (hg19) VCF-style: chr17-41244573-GT-G.
Other names: c.2761del, p.Thr921fs (NM_001407571.1, NM_001407853.1, NM_001407894.1 and 9 more transcripts); c.2974del, p.Thr992fs (NM_001407581.1, NM_001407582.1, NM_001407583.1 and 30 more transcripts); c.2971del, p.Thr991fs (NM_001407610.1, NM_001407611.1, NM_001407612.1 and 22 more transcripts); c.2965del, p.Thr989fs (NM_001407646.1, NM_001407647.1); c.2851del, p.Thr951fs (NM_001407648.1, NM_001407664.1, NM_001407665.1 and 19 more transcripts); c.2848del, p.Thr950fs (NM_001407649.1, NM_001407670.1, NM_001407671.1 and 11 more transcripts); c.2896del, p.Thr966fs (NM_001407653.1, NM_001407654.1, NM_001407655.1 and 4 more transcripts); c.2893del, p.Thr965fs (NM_001407659.1, NM_001407660.1, NM_001407661.1 and 1 more transcripts); and 43 more; short protein forms T945fs, T992fs, T865fs, T880fs, T904fs, T922fs, T965fs, T696fs.
Identifiers: ClinVar variation 853416 (VCV000853416.10), dbSNP rs2053663370, ClinGen allele CA916080134.
Genomic context (GRCh38, chr17:43,092,556, plus strand): 5'-CTTTCAGGTGACATTGAATGTTCCTCAAAGTTTTCCTCTAGCAGATTTTTCTTACATTTA[GT>G]TTTAACAAATGACTTGATGGGAAAAAGTGGTGGTATACGATATGGGTTTTGTAAAAGTCC-3'

ClinVar aggregate classification (germline): Pathogenic. Review status: criteria provided, multiple submitters, no conflicts (2 of 4 stars). 2 submissions from 2 submitters: Pathogenic (2). Last evaluated 2025-12-01.

Conditions:
Hereditary breast ovarian cancer syndrome. Also called: Hereditary breast and/or ovarian cancer syndrome; BRCA1- and BRCA2-Associated Hereditary Breast and Ovarian Cancer; Hereditary breast and ovarian cancer syndrome; Hereditary breast and ovarian cancer; Hereditary breast and ovarian cancer syndrome (HBOC); Breast and ovarian cancer. Identifiers: Orphanet 145, MedGen C0677776, MeSH D061325, MONDO:0003582. Disease mechanism: loss of function.
Breast-ovarian cancer, familial, susceptibility to, 1 (BROVCA1). Also called: BRCA1 Hereditary Breast and Ovarian Cancer; OVARIAN CANCER, SUSCEPTIBILITY TO. Identifiers: Orphanet 145, MedGen C2676676, MONDO:0011450, OMIM 604370. Disease mechanism: loss of function.

Submissions (2):

KCCC/NGS Laboratory, Kuwait Cancer Control Center
Classification: Pathogenic for Breast-ovarian cancer, familial, susceptibility to, 1. Last evaluated: 2025-12-01. Review status: criteria provided, single submitter. Criteria: ACMG Guidelines, 2015. Collection method: clinical testing. Allele origin: germline. Inheritance: Autosomal dominant inheritance. Affected: yes.
Comment: A known pathogenic variant.

Labcorp Genetics (formerly Invitae), Labcorp
Classification: Pathogenic for Hereditary breast ovarian cancer syndrome. Last evaluated: 2022-01-28. Review status: criteria provided, single submitter. Criteria: Invitae Variant Classification Sherloc (09022015). Collection method: clinical testing. Allele origin: germline.
Comment: This sequence change creates a premature translational stop signal (p.Thr992Leufs*8) in the BRCA1 gene. It is expected to result in an absent or disrupted protein product. Loss-of-function variants in BRCA1 are known to be pathogenic (PMID: 20104584). This variant is not present in population databases (gnomAD no frequency). This variant has not been reported in the literature in individuals affected with BRCA1-related conditions. ClinVar contains an entry for this variant (Variation ID: 853416). For these reasons, this variant has been classified as Pathogenic.

Literature cited by the submitters: PubMed 20104584 (cited by Labcorp Genetics (formerly Invitae), Labcorp).